The following is an entry in ClinVar:

ClinVar aggregate classification (germline): Conflicting classifications of pathogenicity. Review status: criteria provided, conflicting classifications (1 of 4 stars). 2 submissions from 2 submitters: Uncertain significance (1); Likely benign (1). Last evaluated 2024-09-21.

Allele frequency attached by ClinVar (database versions not stated): gnomAD 0.00003; TOPMed 0.00006; gnomAD exomes 0.00010.
gnomAD v4.1: 153 of 1,591,750 alleles (0.0096%); highest among the groups gnomAD compares: Non-Finnish European, 0.012%; no homozygotes.

Submissions (2):

Labcorp Genetics (formerly Invitae), Labcorp
Classification: Uncertain significance. Last evaluated: 2024-09-21. Review status: criteria provided, single submitter. Criteria: Invitae Variant Classification Sherloc (09022015). Collection method: clinical testing. Allele origin: germline.
Comment: This sequence change falls in intron 31 of the MYO18B gene. It does not directly change the encoded amino acid sequence of the MYO18B protein. It affects a nucleotide within the consensus splice site. This variant is present in population databases (no rsID available, gnomAD 0.005%). This variant has not been reported in the literature in individuals affected with MYO18B-related conditions. ClinVar contains an entry for this variant (Variation ID: 2175111). Variants that disrupt the consensus splice site are a relatively common cause of aberrant splicing (PMID: 17576681, 9536098). Algorithms developed to predict the effect of sequence changes on RNA splicing suggest that this variant is not likely to affect RNA splicing. In summary, the available evidence is currently insufficient to determine the role of this variant in disease. Therefore, it has been classified as a Variant of Uncertain Significance.

Blueprint Genetics
Classification: Likely benign. Last evaluated: 2024-09-05. Review status: criteria provided, single submitter. Criteria: ACMG Guidelines, 2015. Collection method: clinical testing. Allele origin: germline.

Literature cited by the submitters: PubMed 17576681 (cited by Labcorp Genetics (formerly Invitae), Labcorp); PubMed 9536098 (cited by Labcorp Genetics (formerly Invitae), Labcorp).

NM_032608.7(MYO18B):c.5148+4G>C

Gene: MYO18B (myosin XVIIIB; plus strand). Cytogenetic location: 22q12.1.
Variant type: single nucleotide variant.
Coding change: c.5148+4G>C on transcript NM_032608.7 (MANE Select); 4 bases into the intron after coding-DNA position 5148, G replaced by C.
Molecular consequence: intron variant.
Genome position (GRCh38, 1-based): chr22:25,903,835, G>C. VCF-style: chr22-25903835-G-C. GRCh37 (hg19) VCF-style: chr22-26299802-G-C.
Other names: c.5151+4G>C (NM_001318245.2).
Identifiers: ClinVar variation 2175111 (VCV002175111.3), dbSNP rs896022715, ClinGen allele CA322824122.
Genomic context (GRCh38, chr22:25,903,835, plus strand): 5'-CTTGAGCAACAGAAAATCCAGAGCCAGCAGGAAAACACCATCAAGCAGCTGGAGCAGGTA[G>C]GAAAGCCCTGTCTCAGGGCAACACCCTGTCCCATGTCTCCAATGCAGAGTGATGTTATTA-3'